The following is an entry in ClinVar:

ClinVar aggregate classification (germline): Uncertain significance (1 of 4 stars; one submission).

Allele frequency attached by ClinVar (database versions not stated): gnomAD 0.00002; 1000 Genomes Project 30x 0.00016.

Submission:

Labcorp Genetics (formerly Invitae), Labcorp
Classification: Uncertain significance. Last evaluated: 2023-08-04. Review status: criteria provided, single submitter. Criteria: Invitae Variant Classification Sherloc (09022015). Collection method: clinical testing. Allele origin: germline.
Comment: An algorithm developed to predict the effect of missense changes on protein structure and function (PolyPhen-2) suggests that this variant¬†is likely to be tolerated. In summary, the available evidence is currently insufficient to determine the role of this variant in disease. Therefore, it has been classified as a Variant of Uncertain Significance. ClinVar contains an entry for this variant (Variation ID: 1900370). This variant has not been reported in the literature in individuals affected with PAX1-related conditions. This variant is not present in population databases (gnomAD no frequency). This sequence change replaces proline, which is neutral and non-polar, with glutamine, which is neutral and polar, at codon 471 of the PAX1 protein (p.Pro471Gln).

NM_001257096.2(PAX1):c.*48C>A

Gene: PAX1 (paired box 1; plus strand). Cytogenetic location: 20p11.22.
Variant type: single nucleotide variant.
Coding change: c.*48C>A on transcript NM_001257096.2 (MANE Select); 48 bases downstream of the stop codon, C replaced by A.
Molecular consequence: 3 prime UTR variant. On other transcripts: missense variant (1).
Genome position (GRCh38, 1-based): chr20:21,714,610, C>A. VCF-style: chr20-21714610-C-A. GRCh37 (hg19) VCF-style: chr20-21695248-C-A.
Other names: c.1412C>A, p.Pro471Gln (NM_006192.5); short protein forms P471Q.
Identifiers: ClinVar variation 1900370 (VCV001900370.4), dbSNP rs113116112, ClinGen allele CA313028375.
Genomic context (GRCh38, chr20:21,714,610, plus strand): 5'-CTCGACCTCCTAGGGGCAGCTCTCCCCGGACCCGAGCCCGGAGGGAACGGCAGGCGGACC[C>A]GGGCGCACAGGTCTGCGCGGCGGCCCCGGCAATCGGCACGGGCAGGATCGGAGGACTCGC-3'